The following is an entry in ClinVar:

ClinVar aggregate classification (germline): Pathogenic. Review status: reviewed by expert panel (3 of 4 stars). 5 submissions from 5 submitters: Pathogenic (1). 4 of the submissions do not count toward it. Last evaluated 2017-12-15.

Conditions:
Hereditary cancer-predisposing syndrome. Also called: Neoplastic Syndromes, Hereditary; Hereditary neoplastic syndrome; Tumor predisposition; Hereditary Cancer Syndrome. Identifiers: Orphanet 140162, MedGen C0027672, MeSH D009386, MONDO:0015356.
Hereditary breast ovarian cancer syndrome. Also called: Hereditary breast and ovarian cancer syndrome (HBOC); BRCA1- and BRCA2-Associated Hereditary Breast and Ovarian Cancer; Hereditary breast and/or ovarian cancer syndrome; Hereditary breast and ovarian cancer syndrome; Hereditary breast and ovarian cancer; Breast and ovarian cancer. Identifiers: Orphanet 145, MedGen C0677776, MeSH D061325, MONDO:0003582. Disease mechanism: loss of function.
Breast-ovarian cancer, familial, susceptibility to, 1 (BROVCA1). Also called: BRCA1 Hereditary Breast and Ovarian Cancer; OVARIAN CANCER, SUSCEPTIBILITY TO. Identifiers: Orphanet 145, MedGen C2676676, MONDO:0011450, OMIM 604370. Disease mechanism: loss of function.

Submissions (5):

Evidence-based Network for the Interpretation of Germline Mutant Alleles (ENIGMA)
Classification: Pathogenic for Breast-ovarian cancer, familial, susceptibility to, 1. Last evaluated: 2017-12-15. Review status: reviewed by expert panel. Criteria: ENIGMA BRCA1/2 Classification Criteria (2017-06-29). Collection method: curation. Allele origin: germline. Study: ENIGMA.
Comment: Variant allele predicted to encode a truncated non-functional protein.

Baylor Genetics
Classification: Pathogenic for Breast-ovarian cancer, familial, susceptibility to, 1. Last evaluated: 2024-01-05. Review status: criteria provided, single submitter. Criteria: ACMG Guidelines, 2015. Collection method: clinical testing. Allele origin: unknown. Not counted in ClinVar's aggregate classification.

Ambry Genetics
Classification: Pathogenic for Hereditary cancer-predisposing syndrome. Last evaluated: 2021-09-16. Review status: criteria provided, single submitter. Criteria: Ambry Variant Classification Scheme 2023. Collection method: clinical testing. Allele origin: germline. Not counted in ClinVar's aggregate classification.
Comment: The p.E1066* pathogenic mutation (also known as c.3196G>T), located in coding exon 9 of the BRCA1 gene, results from a G to T substitution at nucleotide position 3196. This changes the amino acid from a glutamic acid to a stop codon within coding exon 9. This alteration was identified with BRCA2 c.658_659delGT in an individual diagnosed with breast cancer (Rebbeck TR et al. Breast Cancer Res, 2016 11;18:112). This variant was also identified in a cohort of 882 Chinese individuals with a personal and/or family history of breast or ovarian cancers who underwent multi-gene panel testing for HBOC risk assessment (Shao D et al. Cancer Sci, 2020 Feb;111:647-657). This variant is considered to be rare based on population cohorts in the Genome Aggregation Database (gnomAD). In addition to the clinical data presented in the literature, this alteration is expected to result in loss of function by premature protein truncation or nonsense-mediated mRNA decay. As such, this alteration is interpreted as a disease-causing mutation.

Women's Health and Genetics/Laboratory Corporation of America, LabCorp
Classification: Pathogenic for Hereditary breast ovarian cancer syndrome. Last evaluated: 2021-03-06. Review status: criteria provided, single submitter. Criteria: LabCorp Variant Classification Summary - May 2015. Collection method: clinical testing. Allele origin: germline. Not counted in ClinVar's aggregate classification.
Comment: Variant summary: BRCA1 c.3196G>T (p.Glu1066X) results in a premature termination codon, predicted to cause a truncation of the encoded protein or absence of the protein due to nonsense mediated decay, which are commonly known mechanisms for disease. Truncations downstream of this position have been classified as pathogenic by our laboratory. The variant was absent in 250730 control chromosomes. c.3196G>T has been reported in the literature in multiple individuals affected with Hereditary Breast And Ovarian Cancer Syndrome (example, Shao_2020, Rebbeck_2016). These data indicate that the variant is very likely to be associated with disease. To our knowledge, no experimental evidence demonstrating an impact on protein function has been reported. Two clinical diagnostic laboratories and one expert panel (ENIGMA) have submitted clinical-significance assessments for this variant to ClinVar after 2014 without evidence for independent evaluation. All submitters classified the variant as pathogenic. Based on the evidence outlined above, the variant was classified as pathogenic.

Color Diagnostics, LLC DBA Color Health
Classification: Pathogenic for Hereditary cancer-predisposing syndrome. Last evaluated: 2020-01-15. Review status: criteria provided, single submitter. Criteria: ACMG Guidelines, 2015. Collection method: clinical testing. Allele origin: germline. Not counted in ClinVar's aggregate classification.
Comment: This variant changes 1 nucleotide in exon 10 of the BRCA1 gene, creating a premature translation stop signal. This variant is expected to result in an absent or non-functional protein product. This variant has not been identified in the general population by the Genome Aggregation Database (gnomAD). Loss of BRCA1 function is a known mechanism of disease. Based on the available evidence, this variant is classified as Pathogenic.

Literature cited by the submitters: PubMed 27836010 (cited by Ambry Genetics and Women's Health and Genetics/Laboratory Corporation of America, LabCorp); PubMed 31742824 (cited by Ambry Genetics and Women's Health and Genetics/Laboratory Corporation of America, LabCorp).

NM_007294.4(BRCA1):c.3196G>T (p.Glu1066Ter)

Gene: BRCA1 (BRCA1 DNA repair associated; minus strand). Cytogenetic location: 17q21.31.
Variant type: single nucleotide variant.
Coding change: c.3196G>T on transcript NM_007294.4 (MANE Select); coding-DNA position 3196, G replaced by T.
Protein change: p.Glu1066Ter; replaces glutamic acid 1066 with a stop codon.
Molecular consequence: nonsense. On other transcripts: intron variant (137).
Genome position (GRCh38, 1-based): chr17:43,092,335, C>A on the plus strand (G>T on the coding strand, the complement: BRCA1 is on the minus strand). VCF-style: chr17-43092335-C-A. GRCh37 (hg19) VCF-style: chr17-41244352-C-A.
Other names: c.2863G>T, p.Glu955Ter (NM_001407952.1, NM_001407946.1, NM_001407947.1 and 6 more transcripts); c.3052G>T, p.Glu1018Ter (NM_001407964.1, NM_001407740.1, NM_001407741.1 and 20 more transcripts); c.2692G>T, p.Glu898Ter (NM_001407965.1); c.2308G>T, p.Glu770Ter (NM_001407966.1, NM_001407967.1); c.3055G>T, p.Glu1019Ter (NM_007297.4, NM_001407692.1, NM_001407694.1 and 29 more transcripts); c.3196G>T, p.Glu1066Ter (NM_007300.4, NM_001407581.1, NM_001407582.1 and 30 more transcripts); c.647-1303G>T (NM_001408458.1, NM_001408469.1, NM_001408453.1 and 11 more transcripts); c.284-1303G>T (NM_001408512.1); and 41 more; short protein forms E1066*, E1019*, E1024*, E1039*, E1065*, E955*, E977*, E1040*.
Identifiers: ClinVar variation 441438 (VCV000441438.12), dbSNP rs1555588220, ClinGen allele CA10595591.